The following is an entry in ClinVar:

ClinVar aggregate classification (germline): Uncertain significance (1 of 4 stars; one submission).

gnomAD v4.1: 3 of 1,614,012 alleles (0.00019%); highest among the groups gnomAD compares: Non-Finnish European, 0.00025%; no homozygotes.

Submission:

Labcorp Genetics (formerly Invitae), Labcorp
Classification: Uncertain significance. Last evaluated: 2025-03-18. Review status: criteria provided, single submitter. Criteria: Invitae Variant Classification Sherloc (09022015). Collection method: clinical testing. Allele origin: germline.
Comment: This sequence change replaces histidine, which is basic and polar, with proline, which is neutral and non-polar, at codon 704 of the CEP97 protein (p.His704Pro). This variant is present in population databases (no rsID available, gnomAD 0.0009%). This variant has not been reported in the literature in individuals affected with CEP97-related conditions. ClinVar contains an entry for this variant (Variation ID: 1946117). Invitae Evidence Modeling of protein sequence and biophysical properties (such as structural, functional, and spatial information, amino acid conservation, physicochemical variation, residue mobility, and thermodynamic stability) indicates that this missense variant is not expected to disrupt CEP97 protein function with a negative predictive value of 80%. In summary, the available evidence is currently insufficient to determine the role of this variant in disease. Therefore, it has been classified as a Variant of Uncertain Significance.

NM_024548.4(CEP97):c.2111A>C (p.His704Pro)

Gene: CEP97 (centrosomal protein 97; plus strand). Cytogenetic location: 3q12.3.
Variant type: single nucleotide variant.
Coding change: c.2111A>C on transcript NM_024548.4 (MANE Select); coding-DNA position 2111, A replaced by C.
Protein change: p.His704Pro; replaces histidine 704 with proline.
Molecular consequence: missense variant.
Genome position (GRCh38, 1-based): chr3:101,765,064, A>C. VCF-style: chr3-101765064-A-C. GRCh37 (hg19) VCF-style: chr3-101483908-A-C.
Other names: c.1934A>C, p.His645Pro (NM_001303401.2); c.2009A>C, p.His670Pro (NM_001410784.1); c.1832A>C, p.His611Pro (NM_001410785.1); short protein forms H611P, H645P, H704P, H670P.
Identifiers: ClinVar variation 1946117 (VCV001946117.5), dbSNP rs766616441, ClinGen allele CA353881376.
Genomic context (GRCh38, chr3:101,765,064, plus strand): 5'-TTGCTTCTGATGTAGCTCCTCAAGAGAAATCATTACCAGAATTTCCAGACTCTGGTTTTC[A>C]TTCCTCTCTAACAGAACAAGTTCATTCATTGCAGCATTCTTTGGATTTTGAGAAAAGTTC-3'
Protein context (NP_078824.2, residues 694-714): SLPEFPDSGF[His704Pro]SSLTEQVHSL